The following is an entry in ClinVar:

NM_005120.3(MED12):c.6506C>A (p.Pro2169His)

Gene: MED12 (mediator complex subunit 12; plus strand). Cytogenetic location: Xq13.1.
Variant type: single nucleotide variant.
Coding change: c.6506C>A on transcript NM_005120.3 (MANE Select); coding-DNA position 6506, C replaced by A.
Protein change: p.Pro2169His; replaces proline 2169 with histidine.
Molecular consequence: missense variant.
Genome position (GRCh38, 1-based): chrX:71,142,190, C>A. VCF-style: chrX-71142190-C-A. GRCh37 (hg19) VCF-style: chrX-70362040-C-A.
Other names: short protein forms P2169H.
Identifiers: ClinVar variation 2729795 (VCV002729795.3), dbSNP rs1362153313, ClinGen allele CA413544705.
Genomic context (GRCh38, chrX:71,142,190, plus strand): 5'-CCCCTGCCTGGTCTTCCATCCCTGATAATCTCTGGTTTTTCACAGATACCCAGCCACAGC[C>A]CAGTACCAACATATTTGGACGCTACTGAGCCACCTGGAGGAACTGCTTGTGCACTGGATG-3'
Protein context (NP_005111.2, residues 2159-2177): QQQLSNTQPQ[Pro2169His]STNIFGRY

ClinVar aggregate classification (germline): Uncertain significance (1 of 4 stars; one submission).

Conditions:
FG syndrome (FGS). Identifiers: MedGen C0220769, MONDO:0002010.

Allele frequency attached by ClinVar (database versions not stated): gnomAD exomes below 0.00001; TOPMed below 0.00001; gnomAD 0.00001.
gnomAD v4.1: 2 of 1,209,168 alleles (0.00017%); highest among the groups gnomAD compares: Non-Finnish European, 0.00022%; no homozygotes.

Submission:

Labcorp Genetics (formerly Invitae), Labcorp
Classification: Uncertain significance for FG syndrome. Last evaluated: 2023-02-21. Review status: criteria provided, single submitter. Criteria: Invitae Variant Classification Sherloc (09022015). Collection method: clinical testing. Allele origin: germline.
Comment: This variant has not been reported in the literature in individuals affected with MED12-related conditions. Advanced modeling of protein sequence and biophysical properties (such as structural, functional, and spatial information, amino acid conservation, physicochemical variation, residue mobility, and thermodynamic stability) performed at Invitae indicates that this missense variant is not expected to disrupt MED12 protein function. In summary, the available evidence is currently insufficient to determine the role of this variant in disease. Therefore, it has been classified as a Variant of Uncertain Significance. This sequence change replaces proline, which is neutral and non-polar, with histidine, which is basic and polar, at codon 2169 of the MED12 protein (p.Pro2169His). This variant is not present in population databases (gnomAD no frequency).